The following is an entry in ClinVar:

ClinVar aggregate classification (germline): Uncertain significance (1 of 4 stars; one submission).

Conditions:
Acute myeloid leukemia (AML). Also called: Acute myeloid leukemia, adult; AML adult; Acute non-lymphocytic leukemia; Acute granulocytic leukemia; Leukemia, acute myeloid, somatic; Leukemia, acute myelogenous, somatic. Identifiers: Orphanet 519, MedGen C0023467, MeSH D015470, MONDO:0018874, OMIM 601626, HP:0004808. Disease mechanism: Constitutively activated FLT3.

Submission:

Labcorp Genetics (formerly Invitae), Labcorp
Classification: Uncertain significance for Acute myeloid leukemia. Last evaluated: 2023-09-18. Review status: criteria provided, single submitter. Criteria: Invitae Variant Classification Sherloc (09022015). Collection method: clinical testing. Allele origin: germline.
Comment: Advanced modeling of protein sequence and biophysical properties (such as structural, functional, and spatial information, amino acid conservation, physicochemical variation, residue mobility, and thermodynamic stability) has been performed at Invitae for this missense variant, however the output from this modeling did not meet the statistical confidence thresholds required to predict the impact of this variant on CEBPA protein function. This variant has not been reported in the literature in individuals affected with CEBPA-related conditions. This variant is not present in population databases (gnomAD no frequency). This sequence change replaces lysine, which is basic and polar, with glutamic acid, which is acidic and polar, at codon 273 of the CEBPA protein (p.Lys273Glu). In summary, the available evidence is currently insufficient to determine the role of this variant in disease. Therefore, it has been classified as a Variant of Uncertain Significance.

NM_004364.5(CEBPA):c.817A>G (p.Lys273Glu)

Gene: CEBPA (CCAAT enhancer binding protein alpha; minus strand). Cytogenetic location: 19q13.11.
Variant type: single nucleotide variant.
Coding change: c.817A>G on transcript NM_004364.5 (MANE Select); coding-DNA position 817, A replaced by G.
Protein change: p.Lys273Glu; replaces lysine 273 with glutamic acid.
Molecular consequence: missense variant.
Genome position (GRCh38, 1-based): chr19:33,301,598, T>C on the plus strand (A>G on the coding strand, the complement: CEBPA is on the minus strand). VCF-style: chr19-33301598-T-C. GRCh37 (hg19) VCF-style: chr19-33792504-T-C.
Other names: c.460A>G, p.Lys154Glu (NM_001285829.2); c.922A>G, p.Lys308Glu (NM_001287424.2); c.775A>G, p.Lys259Glu (NM_001287435.2); short protein forms K154E, K259E, K273E, K308E.
Identifiers: ClinVar variation 3010832 (VCV003010832.3), dbSNP rs2145259884, ClinGen allele CA405274154.